The following is an entry in ClinVar:

NM_000350.3(ABCA4):c.2486C>T (p.Thr829Met)

Gene: ABCA4 (ATP binding cassette subfamily A member 4; minus strand). Cytogenetic location: 1p22.1.
Variant type: single nucleotide variant.
Coding change: c.2486C>T on transcript NM_000350.3 (MANE Select); coding-DNA position 2486, C replaced by T.
Protein change: p.Thr829Met; replaces threonine 829 with methionine.
Molecular consequence: missense variant.
Genome position (GRCh38, 1-based): chr1:94,055,212, G>A on the plus strand (C>T on the coding strand, the complement: ABCA4 is on the minus strand). VCF-style: chr1-94055212-G-A. GRCh37 (hg19) VCF-style: chr1-94520768-G-A.
Other names: c.2264C>T, p.Thr755Met (NM_001425324.1); short protein forms T829M, T755M.
Identifiers: ClinVar variation 873957 (VCV000873957.20), dbSNP rs139250920, ClinGen allele CA958261.
Genomic context (GRCh38, chr1:94,055,212, plus strand): 5'-ACAGCAGCATCAAGGAGCATCATCTGCATGGACAGCAGGAAGCTGAATTCGTCCCCTTCC[G>A]TGGGACTGTTCCCGATGTTGCTCCACTGCAGCCCCAGGCCTTGCTCTTCAAAGCGAACCA-3'
Protein context (NP_000341.2, residues 819-839): LQWSNIGNSP[Thr829Met]EGDEFSFLLS

ClinVar aggregate classification (germline): Conflicting classifications of pathogenicity. Review status: criteria provided, conflicting classifications (1 of 4 stars). 7 submissions from 7 submitters: Uncertain significance (6); Likely benign (1). Last evaluated 2026-06-08.

Conditions:
Retinal dystrophy. Also called: Inherited retinal dystrophy. Identifiers: Orphanet 71862, MedGen C0854723, MeSH D058499, MONDO:0019118, HP:0000556.
ABCA4-related disorder. Also called: ABCA4-related condition; ABCA4-related disorders. Identifiers: MedGen CN239167.

Allele frequency attached by ClinVar (database versions not stated): gnomAD exomes 0.00012 and 0.00017; ExAC 0.00013; ESP Exome Variant Server 0.00023; gnomAD 0.00027 and 0.00029; TOPMed 0.00029.
gnomAD v4.1: 223 of 1,614,000 alleles (0.014%); highest among the groups gnomAD compares: Middle Eastern, 0.89%; 3 homozygotes.

Submissions (7):

PreventionGenetics, part of Exact Sciences
Classification: Uncertain significance for ABCA4-related condition. Last evaluated: 2026-06-08. Review status: criteria provided, single submitter. Criteria: ACMG Guidelines, 2015. Collection method: clinical testing. Allele origin: germline.
Comment: The ABCA4 c.2486C>T variant is predicted to result in the amino acid substitution p.Thr829Met. This variant has been reported in two individuals with retinitis pigmentosa or inherited retinal disease in the absence of a second ABCA4 variant (Ozgul et al. 2004. PubMed ID: 15108289; Table S3, Mihalich et al. 2024. PubMed ID: 38927702). This variant has also been reported in an individual with late onset Stargardt disease who also harbored a known pathogenic variant in ABCA4, however the phase was not determined (Kaway et al. 2017. PubMed ID: 28611652). This variant was also described, along with a potential splicing variant, in a patient with simplex cone dystrophy (Chiang and Trzupek. 2015. PubMed ID: 26214332). This variant is reported in 0.065% of alleles in individuals of East Asian descent in gnomAD, including 1 homozygote, which may be too frequent to be a primary cause of disease. Although we suspect that this variant may be benign, at this time, the clinical significance of this variant is uncertain due to the absence of conclusive functional and genetic evidence.

Labcorp Genetics (formerly Invitae), Labcorp
Classification: Likely benign. Last evaluated: 2026-01-19. Review status: criteria provided, single submitter. Criteria: Invitae Variant Classification Sherloc (09022015). Collection method: clinical testing. Allele origin: germline.

GeneDx
Classification: Uncertain significance. Last evaluated: 2025-10-24. Review status: criteria provided, single submitter. Criteria: GeneDx Variant Classification Process June 2021. Collection method: clinical testing. Allele origin: germline. Affected: yes.
Comment: Observed in the heterozygous state in an individual with retinitis pigmentosa in the published literature, however, an additional variant in the ABCA4 gene was not identified (PMID: 15108289); Observed with a pathogenic variant in an individual with late-onset Stargardt disease, but it is not known whether the variants occurred on the same (in cis) or on different (in trans) chromosomes (PMID: 28611652); In silico analysis suggests that this missense variant does not alter protein structure/function; This variant is associated with the following publications: (PMID: 27884173, 15108289, 31269850, 34426522, 38927702, 36777185, 35120629, 28611652)

Revvity Omics, Revvity
Classification: Uncertain significance. Last evaluated: 2025-05-07. Review status: criteria provided, single submitter. Criteria: ACMG Guidelines, 2015. Collection method: clinical testing. Allele origin: germline.

Blueprint Genetics
Classification: Uncertain significance. Last evaluated: 2024-11-12. Review status: criteria provided, single submitter. Criteria: ACMG Guidelines, 2015. Collection method: clinical testing. Allele origin: germline.

Dept Of Ophthalmology, Nagoya University
Classification: Uncertain significance for Retinal dystrophy. Last evaluated: 2023-10-01. Review status: criteria provided, single submitter. Criteria: Submitter's publication. Collection method: research. Allele origin: germline. Affected: yes.

Illumina Laboratory Services, Illumina
Classification: Uncertain significance for ABCA4-Related Disorders. Last evaluated: 2017-04-27. Review status: criteria provided, single submitter. Criteria: ICSL Variant Classification Criteria 13 December 2019. Collection method: clinical testing. Allele origin: germline.